The following is an entry in ClinVar:

ClinVar aggregate classification (germline): Uncertain significance (1 of 4 stars; one submission).

Allele frequency attached by ClinVar (database versions not stated): ExAC 0.00001; gnomAD 0.00001; gnomAD exomes 0.00001; 1000 Genomes Project 30x 0.00016; 1000 Genomes Project 0.00020.
gnomAD v4.1: 11 of 1,613,282 alleles (0.00068%); highest among the groups gnomAD compares: East Asian, 0.022%; no homozygotes.

Submission:

Labcorp Genetics (formerly Invitae), Labcorp
Classification: Uncertain significance. Last evaluated: 2025-03-31. Review status: criteria provided, single submitter. Criteria: Invitae Variant Classification Sherloc (09022015). Collection method: clinical testing. Allele origin: germline.
Comment: This sequence change replaces methionine, which is neutral and non-polar, with threonine, which is neutral and polar, at codon 540 of the WDR11 protein (p.Met540Thr). This variant is present in population databases (rs200403895, gnomAD 0.01%). This variant has not been reported in the literature in individuals affected with WDR11-related conditions. ClinVar contains an entry for this variant (Variation ID: 1906424). An algorithm developed to predict the effect of missense changes on protein structure and function (PolyPhen-2) suggests that this variant is likely to be tolerated. In summary, the available evidence is currently insufficient to determine the role of this variant in disease. Therefore, it has been classified as a Variant of Uncertain Significance.

NM_018117.12(WDR11):c.1619T>C (p.Met540Thr)

Gene: WDR11 (WD repeat domain 11; plus strand). Cytogenetic location: 10q26.12.
Variant type: single nucleotide variant.
Coding change: c.1619T>C on transcript NM_018117.12 (MANE Select); coding-DNA position 1619, T replaced by C.
Protein change: p.Met540Thr; replaces methionine 540 with threonine.
Molecular consequence: missense variant.
Genome position (GRCh38, 1-based): chr10:120,878,415, T>C. VCF-style: chr10-120878415-T-C. GRCh37 (hg19) VCF-style: chr10-122637927-T-C.
Other names: short protein forms M540T.
Identifiers: ClinVar variation 1906424 (VCV001906424.5), dbSNP rs200403895, ClinGen allele CA5719771.